The following is an entry in ClinVar:

NM_004370.6(COL12A1):c.1337A>T (p.Asp446Val)

Gene: COL12A1 (collagen type XII alpha 1 chain; minus strand). Cytogenetic location: 6q13.
Variant type: single nucleotide variant.
Coding change: c.1337A>T on transcript NM_004370.6 (MANE Select); coding-DNA position 1337, A replaced by T.
Protein change: p.Asp446Val; replaces aspartic acid 446 with valine.
Molecular consequence: missense variant. On other transcripts: intron variant (2).
Genome position (GRCh38, 1-based): chr6:75,183,604, T>A on the plus strand (A>T on the coding strand, the complement: COL12A1 is on the minus strand). VCF-style: chr6-75183604-T-A. GRCh37 (hg19) VCF-style: chr6-75893320-T-A.
Other names: c.1337A>T, p.Asp446Val (NM_001424113.1, NM_001424114.1, NM_001424115.1); c.73+19116A>T (NM_001424116.1, NM_080645.3); short protein forms D446V.
Identifiers: ClinVar variation 2942205 (VCV002942205.3), dbSNP rs2533568992, ClinGen allele CA364771573.

ClinVar aggregate classification (germline): Uncertain significance (1 of 4 stars; one submission).

Conditions:
Ullrich congenital muscular dystrophy 2 (UCMD2). Identifiers: Orphanet 75840, MedGen C4225314, MONDO:0014654, OMIM 616470.
Bethlem myopathy 2 (BTHLM2). Identifiers: Orphanet 536516, Orphanet 610, MedGen C4225313, MONDO:0034022, OMIM 616471.

Submission:

Labcorp Genetics (formerly Invitae), Labcorp
Classification: Uncertain significance for Bethlem myopathy 2; Ullrich congenital muscular dystrophy 2. Last evaluated: 2022-12-10. Review status: criteria provided, single submitter. Criteria: Invitae Variant Classification Sherloc (09022015). Collection method: clinical testing. Allele origin: germline.
Comment: In summary, the available evidence is currently insufficient to determine the role of this variant in disease. Therefore, it has been classified as a Variant of Uncertain Significance. Advanced modeling of protein sequence and biophysical properties (such as structural, functional, and spatial information, amino acid conservation, physicochemical variation, residue mobility, and thermodynamic stability) has been performed at Invitae for this missense variant, however the output from this modeling did not meet the statistical confidence thresholds required to predict the impact of this variant on COL12A1 protein function. This variant has not been reported in the literature in individuals affected with COL12A1-related conditions. This variant is not present in population databases (gnomAD no frequency). This sequence change replaces aspartic acid, which is acidic and polar, with valine, which is neutral and non-polar, at codon 446 of the COL12A1 protein (p.Asp446Val).